The following is an entry in ClinVar:

ClinVar aggregate classification (germline): Pathogenic (1 of 4 stars; one submission).

Submission:

CeGaT Center for Human Genetics Tuebingen
Classification: Pathogenic. Last evaluated: 2025-06-01. Review status: criteria provided, single submitter. Criteria: CeGaT Center For Human Genetics Tuebingen Variant Classification Criteria Version 2. Collection method: clinical testing. Allele origin: germline. Affected: yes. Observed: 1 variant allele.
Comment: YWHAG: PS2, PM2, PM5, PP2, PP3

NM_012479.4(YWHAG):c.169C>G (p.Arg57Gly)

Gene: YWHAG (tyrosine 3-monooxygenase/tryptophan 5-monooxygenase activation protein gamma; minus strand). Cytogenetic location: 7q11.23.
Variant type: single nucleotide variant.
Coding change: c.169C>G on transcript NM_012479.4 (MANE Select); coding-DNA position 169, C replaced by G.
Protein change: p.Arg57Gly; replaces arginine 57 with glycine.
Molecular consequence: missense variant.
Genome position (GRCh38, 1-based): chr7:76,330,152, G>C on the plus strand (C>G on the coding strand, the complement: YWHAG is on the minus strand). VCF-style: chr7-76330152-G-C. GRCh37 (hg19) VCF-style: chr7-75959469-G-C.
Other names: short protein forms R57G.
Identifiers: ClinVar variation 4084968 (VCV004084968.8).